The following is an entry in ClinVar:

ClinVar aggregate classification (germline): Conflicting classifications of pathogenicity. Review status: criteria provided, conflicting classifications (1 of 4 stars). 2 submissions from 2 submitters: Uncertain significance (1); Likely benign (1). Last evaluated 2025-11-17.

Conditions:
Hereditary cancer-predisposing syndrome. Also called: Tumor predisposition; Hereditary neoplastic syndrome; Neoplastic Syndromes, Hereditary; Hereditary Cancer Syndrome. Identifiers: Orphanet 140162, MedGen C0027672, MeSH D009386, MONDO:0015356.
Familial cancer of breast. Also called: hereditary breast carcinoma; Hereditary breast cancer; BREAST CANCER, FAMILIAL. Identifiers: Orphanet 227535, MedGen C0346153, MONDO:0016419, OMIM 114480. Disease mechanism: loss of function.

Allele frequency attached by ClinVar (database versions not stated): gnomAD exomes below 0.00001.
gnomAD v4.1: 3 of 1,613,764 alleles (0.00019%); highest among the groups gnomAD compares: Non-Finnish European, 0.00025%; no homozygotes.

Submissions (2):

Labcorp Genetics (formerly Invitae), Labcorp
Classification: Uncertain significance for Familial cancer of breast. Last evaluated: 2025-11-17. Review status: criteria provided, single submitter. Criteria: Invitae Variant Classification Sherloc (09022015). Collection method: clinical testing. Allele origin: germline.
Comment: This sequence change replaces serine, which is neutral and polar, with arginine, which is basic and polar, at codon 174 of the BARD1 protein (p.Ser174Arg). This variant is present in population databases (no rsID available, gnomAD 0.0009%). This variant has not been reported in the literature in individuals affected with BARD1-related conditions. ClinVar contains an entry for this variant (Variation ID: 845876). An algorithm developed to predict the effect of missense changes on protein structure and function outputs the following: PolyPhen-2: "Benign". The arginine amino acid residue is found in multiple mammalian species, which suggests that this missense change does not adversely affect protein function. In summary, the available evidence is currently insufficient to determine the role of this variant in disease. Therefore, it has been classified as a Variant of Uncertain Significance.

Ambry Genetics
Classification: Likely benign for Hereditary cancer-predisposing syndrome. Last evaluated: 2025-05-07. Review status: criteria provided, single submitter. Criteria: Ambry Variant Classification Scheme 2023. Collection method: clinical testing. Allele origin: germline.

NM_000465.4(BARD1):c.522T>G (p.Ser174Arg)

Gene: BARD1 (BRCA1 associated RING domain 1; minus strand). Cytogenetic location: 2q35.
Variant type: single nucleotide variant.
Coding change: c.522T>G on transcript NM_000465.4 (MANE Select); coding-DNA position 522, T replaced by G.
Protein change: p.Ser174Arg; replaces serine 174 with arginine.
Molecular consequence: missense variant. On other transcripts: non-coding transcript variant (2), intron variant (3).
Genome position (GRCh38, 1-based): chr2:214,781,352, A>C on the plus strand (T>G on the coding strand, the complement: BARD1 is on the minus strand). VCF-style: chr2-214781352-A-C. GRCh37 (hg19) VCF-style: chr2-215646076-A-C.
Other names: c.465T>G, p.Ser155Arg (NM_001282543.2); c.158+28060T>G (NM_001282548.2); c.215+15709T>G (NM_001282545.2); c.364+10945T>G (NM_001282549.2); short protein forms S155R, S174R.
Identifiers: ClinVar variation 845876 (VCV000845876.14), dbSNP rs1060504190, ClinGen allele CA350457470.
Genomic context (GRCh38, chr2:214,781,352, plus strand): 5'-CCTCTCAGAAACATCTGCAGGAGGACTTGGGGAAACAAATTCATATGAGTCTTGCTGAGC[A>C]CTTGCATCTTTTTTTATTGCAGGCTGGGTTTGCACTGAAGCTTTACTCACAACATATCTG-3'
Protein context (NP_000456.2, residues 164-184): QTQPAIKKDA[Ser174Arg]AQQDSYEFVS